The following is an entry in ClinVar:

ClinVar aggregate classification (germline): Uncertain significance (1 of 4 stars; one submission).

Conditions:
Tumor predisposition syndrome 3 (TPDS3). Also called: Melanoma, cutaneous malignant, susceptibility to, 10; Glioma susceptibility 9; LONG TELOMERE SYNDROME, POT1-RELATED; POT1 Tumor Predisposition. Identifiers: Orphanet 618, MedGen C4014476, MONDO:0014368, OMIM 615848.

Submission:

Labcorp Genetics (formerly Invitae), Labcorp
Classification: Uncertain significance for Tumor predisposition syndrome 3. Last evaluated: 2020-10-12. Review status: criteria provided, single submitter. Criteria: Invitae Variant Classification Sherloc (09022015). Collection method: clinical testing. Allele origin: germline.
Comment: This sequence change replaces aspartic acid with glutamic acid at codon 632 of the POT1 protein (p.Asp632Glu). The aspartic acid residue is highly conserved and there is a small physicochemical difference between aspartic acid and glutamic acid. This variant is not present in population databases (ExAC no frequency). This variant has not been reported in the literature in individuals with POT1-related conditions. Algorithms developed to predict the effect of missense changes on protein structure and function are either unavailable or do not agree on the potential impact of this missense change (SIFT: "Deleterious"; PolyPhen-2: "Benign"; Align-GVGD: "Class C0"). In summary, the available evidence is currently insufficient to determine the role of this variant in disease. Therefore, it has been classified as a Variant of Uncertain Significance.

NM_015450.3(POT1):c.1896T>G (p.Asp632Glu)

Gene: POT1 (protection of telomeres 1; minus strand). Cytogenetic location: 7q31.33.
Variant type: single nucleotide variant.
Coding change: c.1896T>G on transcript NM_015450.3 (MANE Select); coding-DNA position 1896, T replaced by G.
Protein change: p.Asp632Glu; replaces aspartic acid 632 with glutamic acid.
Molecular consequence: missense variant. On other transcripts: non-coding transcript variant (3).
Genome position (GRCh38, 1-based): chr7:124,823,971, A>C on the plus strand (T>G on the coding strand, the complement: POT1 is on the minus strand). VCF-style: chr7-124823971-A-C. GRCh37 (hg19) VCF-style: chr7-124464025-A-C.
Other names: c.1503T>G, p.Asp501Glu (NM_001042594.2); short protein forms D501E, D632E.
Identifiers: ClinVar variation 1060409 (VCV001060409.9), dbSNP rs2116403163, ClinGen allele CA369061062.